The following is an entry in ClinVar:

NM_021930.6(RINT1):c.2149T>G (p.Ser717Ala)

Genes: EFCAB10 (EF-hand calcium binding domain 10; minus strand), RINT1 (RAD50 interactor 1; plus strand). Cytogenetic location: 7q22.3.
Variant type: single nucleotide variant.
Coding change: c.2149T>G on transcript NM_021930.6 (MANE Select); coding-DNA position 2149, T replaced by G.
Protein change: p.Ser717Ala; replaces serine 717 with alanine.
Molecular consequence: missense variant. On other transcripts: non-coding transcript variant (1), intron variant (2).
Genome position (GRCh38, 1-based): chr7:105,565,611, T>G. VCF-style: chr7-105565611-T-G. GRCh37 (hg19) VCF-style: chr7-105206058-T-G.
Other names: c.388A>C, p.Lys130Gln (NM_001355530.2); c.1915T>G, p.Ser639Ala (NM_001346599.2); c.1126T>G, p.Ser376Ala (NM_001346600.2, NM_001346603.2); c.1225T>G, p.Ser409Ala (NM_001346601.2); c.360-164A>C (NM_001355531.2); c.384-164A>C (NM_001355526.2); short protein forms S717A, K130Q, S376A, S409A, S639A.
Identifiers: ClinVar variation 410797 (VCV000410797.13), dbSNP rs1060503047, ClinGen allele CA16611979.

ClinVar aggregate classification (germline): Uncertain significance. Review status: criteria provided, multiple submitters, no conflicts (2 of 4 stars). 2 submissions from 2 submitters: Uncertain significance (2). Last evaluated 2024-10-19.

Allele frequency attached by ClinVar (database versions not stated): gnomAD exomes below 0.00001 and 0.00001.
gnomAD v4.1: 10 of 1,613,552 alleles (0.00062%); highest among the groups gnomAD compares: Non-Finnish European, 0.00068%; no homozygotes.

Submissions (2):

Ambry Genetics
Classification: Uncertain significance. Last evaluated: 2024-10-19. Review status: criteria provided, single submitter. Criteria: Ambry Variant Classification Scheme 2023. Collection method: clinical testing. Allele origin: germline.
Comment: The p.S717A variant (also known as c.2149T>G), located in coding exon 14 of the RINT1 gene, results from a T to G substitution at nucleotide position 2149. The serine at codon 717 is replaced by alanine, an amino acid with similar properties. This amino acid position is conserved. In addition, this alteration is predicted to be deleterious by in silico analysis. Since supporting evidence is limited at this time, the clinical significance of this alteration remains unclear.

Labcorp Genetics (formerly Invitae), Labcorp
Classification: Uncertain significance. Last evaluated: 2024-03-01. Review status: criteria provided, single submitter. Criteria: Invitae Variant Classification Sherloc (09022015). Collection method: clinical testing. Allele origin: germline.
Comment: This sequence change replaces serine, which is neutral and polar, with alanine, which is neutral and non-polar, at codon 717 of the RINT1 protein (p.Ser717Ala). This variant is not present in population databases (gnomAD no frequency). This variant has not been reported in the literature in individuals affected with RINT1-related conditions. ClinVar contains an entry for this variant (Variation ID: 410797). An algorithm developed to predict the effect of missense changes on protein structure and function (PolyPhen-2) suggests that this variant is likely to be tolerated. In summary, the available evidence is currently insufficient to determine the role of this variant in disease. Therefore, it has been classified as a Variant of Uncertain Significance.